The following is an entry in ClinVar:

NM_000186.4(CFH):c.158G>C (p.Arg53Pro)

Gene: CFH (complement factor H; plus strand). Cytogenetic location: 1q31.3.
Variant type: single nucleotide variant.
Coding change: c.158G>C on transcript NM_000186.4 (MANE Select); coding-DNA position 158, G replaced by C.
Protein change: p.Arg53Pro; replaces arginine 53 with proline.
Molecular consequence: missense variant.
Genome position (GRCh38, 1-based): chr1:196,673,077, G>C. VCF-style: chr1-196673077-G-C. GRCh37 (hg19) VCF-style: chr1-196642207-G-C.
Other names: c.158G>C, p.Arg53Pro (NM_001014975.3); short protein forms R53P.
Identifiers: ClinVar variation 4291425 (VCV004291425.2).

ClinVar aggregate classification (germline): Uncertain significance (1 of 4 stars; one submission).

Conditions:
Atypical hemolytic-uremic syndrome. Identifiers: Orphanet 2134, MedGen C2931788, MONDO:0016244.

Submission:

Genomenon, Inc
Classification: Uncertain significance for Atypical hemolytic-uremic syndrome. Last evaluated: 2026-09-17. Review status: criteria provided, single submitter. Criteria: Genomenon Sequence Variant Interpretation Standards - Updated. Collection method: curation. Allele origin: germline. Affected: yes.
Comment: CFH p.Arg53Pro (c.158G>C) is a missense variant that changes the amino acid at codon 53 from arginine to proline. This variant has been observed in at least one proband affected with atypical hemolytic-uremic syndrome (PMID: 28941939). Functional studies have been reported (PMID: 28941939). It is absent or not present at a significant frequency in gnomAD. In silico models predict that this variant is possibly or probably damaging. In conclusion, we classify CFH p.Arg53Pro (c.158G>C) as a variant of uncertain significance.

Literature cited by the submitters: PubMed 28941939.